The following is an entry in ClinVar:

NM_020366.4(RPGRIP1):c.832C>T (p.Arg278Ter)

Gene: RPGRIP1 (RPGR interacting protein 1; plus strand). Cytogenetic location: 14q11.2.
Variant type: single nucleotide variant.
Coding change: c.832C>T on transcript NM_020366.4 (MANE Select); coding-DNA position 832, C replaced by T.
Protein change: p.Arg278Ter; replaces arginine 278 with a stop codon.
Molecular consequence: nonsense.
Genome position (GRCh38, 1-based): chr14:21,307,762, C>T. VCF-style: chr14-21307762-C-T. GRCh37 (hg19) VCF-style: chr14-21775921-C-T.
Other names: short protein forms R278*.
Identifiers: ClinVar variation 156387 (VCV000156387.10), dbSNP rs587783018, ClinGen allele CA170861.
Genomic context (GRCh38, chr14:21,307,762, plus strand): 5'-ACAGAATAATTTAGCGCCTTTCTCTGCAGAGCTTCCATTAAAGAGAAGGTAGAGCTGATT[C>T]GACTTAAGAAGCTCTTACATGAAAGAAATGCTTCATTGGTTATGACAAAAGCACAATTAA-3'

ClinVar aggregate classification (germline): Pathogenic. Review status: criteria provided, multiple submitters, no conflicts (2 of 4 stars). 4 submissions from 4 submitters: Pathogenic (2). 2 of the submissions do not count toward it. Last evaluated 2025-12-01.

Conditions:
Cone-rod dystrophy 13 (CORD13). Identifiers: Orphanet 1872, MedGen C2750720, MONDO:0011987, OMIM 608194.
Leber congenital amaurosis 6 (LCA6). Identifiers: Orphanet 65, MedGen C1854260, MONDO:0013446, OMIM 613826.

gnomAD v4.1: 5 of 1,566,924 alleles (0.00032%); highest among the groups gnomAD compares: Non-Finnish European, 0.00043%; no homozygotes.

Submissions (4):

Centre for Medical Genetics,  Mumbai
Classification: Pathogenic for Leber congenital amaurosis 6. Last evaluated: 2025-12-01. Review status: criteria provided, single submitter. Criteria: ACMG Guidelines, 2015. Collection method: provider interpretation. Allele origin: germline. Inheritance: Autosomal recessive inheritance. Affected: yes. Observed: 1 homozygote.
Comment: The variant leads to p.Arg278Ter, premature termination at 278 position. The variant thus satisfies PVS1 criteria: Null variant in a gene where loss of function is a known mechanism of disease. The variant is present in gnomAD at very low frequency (0.000003191), hence it satisfies PM2 criteria. The variant satisfies PP5 criteria: reported in Clinvar as Pathogenic Variation ID: 156387.

Labcorp Genetics (formerly Invitae), Labcorp
Classification: Pathogenic for Leber congenital amaurosis 6; Cone-rod dystrophy 13. Last evaluated: 2020-08-05. Review status: criteria provided, single submitter. Criteria: Invitae Variant Classification Sherloc (09022015). Collection method: clinical testing. Allele origin: germline.
Comment: This sequence change creates a premature translational stop signal (p.Arg278*) in the RPGRIP1 gene. It is expected to result in an absent or disrupted protein product. This variant is not present in population databases (ExAC no frequency). This variant has not been reported in the literature in individuals with RPGRIP1-related conditions. ClinVar contains an entry for this variant (Variation ID: 156387). Loss-of-function variants in RPGRIP1 are known to be pathogenic (PMID: 11528500, 23105016). For these reasons, this variant has been classified as Pathogenic.

Molecular Diagnostics Laboratory, Seoul National University Hospital
Classification: Pathogenic for Leber congenital amaurosis 6. Last evaluated: 2014-09-18. Review status: no assertion criteria provided. Collection method: clinical testing. Allele origin: unknown. Affected: yes. Not counted in ClinVar's aggregate classification.

Laboratory of Genetics in Ophthalmology, Institut Imagine
Classification: Pathogenic for Leber congenital amaurosis 6. Review status: no assertion criteria provided. Collection method: research. Allele origin: inherited. Affected: yes. Observed: 3 variant alleles. Not counted in ClinVar's aggregate classification.

Literature cited by the submitters: PubMed 11528500 (cited by Centre for Medical Genetics,  Mumbai and Labcorp Genetics (formerly Invitae), Labcorp); PubMed 23105016 (cited by Labcorp Genetics (formerly Invitae), Labcorp).